The following is an entry in ClinVar:

ClinVar aggregate classification (germline): Likely benign. Review status: criteria provided, multiple submitters, no conflicts (2 of 4 stars). 2 submissions from 2 submitters: Likely benign (2). Last evaluated 2018-06-18.

Allele frequency attached by ClinVar (database versions not stated): gnomAD 0.02654 and 0.02929; gnomAD exomes 0.02702; TOPMed 0.02829; 1000 Genomes Project 30x 0.05700; 1000 Genomes Project 0.05891.
gnomAD v4.1: 15,220 of 550,966 alleles (2.8%); highest among the groups gnomAD compares: East Asian, 11%; 492 homozygotes.

Submissions (2):

GeneDx
Classification: Likely benign. Last evaluated: 2018-06-18. Review status: criteria provided, single submitter. Criteria: GeneDx Variant Classification (06012015). Collection method: clinical testing. Allele origin: germline. Affected: yes.
Comment: This variant is considered likely benign or benign based on one or more of the following criteria: it is a conservative change, it occurs at a poorly conserved position in the protein, it is predicted to be benign by multiple in silico algorithms, and/or has population frequency not consistent with disease.

Breakthrough Genomics
Classification: Likely benign. Review status: criteria provided, single submitter. Criteria: ACMG Guidelines, 2015. Collection method: not provided. Allele origin: germline. Inheritance: Autosomal recessive inheritance. Affected: yes.

NM_001256545.2(MEGF10):c.116+152G>A

Gene: MEGF10 (multiple EGF like domains 10; plus strand). Cytogenetic location: 5q23.2.
Variant type: single nucleotide variant.
Coding change: c.116+152G>A on transcript NM_001256545.2 (MANE Select); 152 bases into the intron after coding-DNA position 116, G replaced by A.
Molecular consequence: intron variant.
Genome position (GRCh38, 1-based): chr5:127,331,576, G>A. VCF-style: chr5-127331576-G-A. GRCh37 (hg19) VCF-style: chr5-126667268-G-A.
Other names: c.116+152G>A (NM_032446.3, NM_001308119.2, NM_001308121.2).
Identifiers: ClinVar variation 672380 (VCV000672380.2), dbSNP rs17684438, ClinGen allele CA127483714.